The following is an entry in ClinVar:

ClinVar aggregate classification (germline): Uncertain significance. Review status: criteria provided, single submitter (1 of 4 stars). 2 submissions from 2 submitters: Uncertain significance (1). 1 of the submissions does not count toward it. Last evaluated 2021-07-06.

Conditions:
SEMA6D-related disorder. Also called: SEMA6D-related condition.

Allele frequency attached by ClinVar (database versions not stated): gnomAD exomes 0.00005; ExAC 0.00013; ESP Exome Variant Server 0.00046; gnomAD 0.00046; TOPMed 0.00053; 1000 Genomes Project 30x 0.00078; 1000 Genomes Project 0.00080.
gnomAD v4.1: 138 of 1,613,388 alleles (0.0086%); highest among the groups gnomAD compares: African/African-American, 0.16%; no homozygotes.

Submissions (2):

Ambry Genetics
Classification: Uncertain significance. Last evaluated: 2021-07-06. Review status: criteria provided, single submitter. Criteria: Ambry Variant Classification Scheme 2023. Collection method: clinical testing. Allele origin: germline.

PreventionGenetics, part of Exact Sciences
Classification: Likely benign for SEMA6D-related condition. Last evaluated: 2019-04-26. Review status: no assertion criteria provided. Collection method: clinical testing. Allele origin: germline. Not counted in ClinVar's aggregate classification.
Comment: This variant is classified as likely benign based on ACMG/AMP sequence variant interpretation guidelines (Richards et al. 2015 PMID: 25741868, with internal and published modifications).

NM_001358351.3(SEMA6D):c.197G>A (p.Arg66Gln)

Gene: SEMA6D (semaphorin 6D; plus strand). Cytogenetic location: 15q21.1.
Variant type: single nucleotide variant.
Coding change: c.197G>A on transcript NM_001358351.3 (MANE Select); coding-DNA position 197, G replaced by A.
Protein change: p.Arg66Gln; replaces arginine 66 with glutamine.
Molecular consequence: missense variant.
Genome position (GRCh38, 1-based): chr15:47,760,391, G>A. VCF-style: chr15-47760391-G-A. GRCh37 (hg19) VCF-style: chr15-48052588-G-A.
Other names: c.197G>A, p.Arg66Gln (NM_001198999.2, NM_001358352.2, NM_020858.2 and 5 more transcripts); short protein forms R66Q.
Identifiers: ClinVar variation 2389108 (VCV002389108.4), dbSNP rs201777640, ClinGen allele CA7544938.